The following is an entry in ClinVar:

ClinVar aggregate classification (germline): Conflicting classifications of pathogenicity. Review status: criteria provided, conflicting classifications (1 of 4 stars). 3 submissions from 3 submitters: Likely pathogenic (2); Uncertain significance (1). Last evaluated 2026-09-15.

Conditions:
Intellectual developmental disorder, X-linked 99, syndromic, female-restricted. Also called: Intellectual disability, X-linked 99, syndromic, female-restricted. Identifiers: MedGen C4225416, MONDO:0010502, OMIM 300968.

Allele frequency attached by ClinVar (database versions not stated): TOPMed 0.00001.

Submissions (3):

GeneDx
Classification: Uncertain significance. Last evaluated: 2026-09-15. Review status: criteria provided, single submitter. Criteria: GeneDx Variant Classification Process June 2021. Collection method: clinical testing. Allele origin: germline.
Comment: In silico analysis supports that this missense variant has a deleterious effect on protein structure/function; This variant is associated with the following publications: (PMID: 33298948)

Clinical Genetics Laboratory, University Hospital Schleswig-Holstein
Classification: Likely pathogenic for Intellectual developmental disorder, X-linked 99, syndromic, female-restricted. Last evaluated: 2025-04-28. Review status: criteria provided, single submitter. Criteria: ACMG Guidelines, 2015. Collection method: clinical testing. Allele origin: germline. Affected: yes. Observed: 1 heterozygote.
Comment: ACMG criteria applied: PM2, PS4_Supporting, PP3, PP2, PS2_Supporting

Labcorp Genetics (formerly Invitae), Labcorp
Classification: Likely pathogenic. Last evaluated: 2024-10-16. Review status: criteria provided, single submitter. Criteria: Invitae Variant Classification Sherloc (09022015). Collection method: clinical testing. Allele origin: germline.
Comment: This sequence change replaces arginine, which is basic and polar, with histidine, which is basic and polar, at codon 1329 of the USP9X protein (p.Arg1329His). This variant is not present in population databases (gnomAD no frequency). This missense change has been observed in individual(s) with USP9X-related conditions (PMID: 33298948). In at least one individual the variant was observed to be de novo. An algorithm developed to predict the effect of missense changes on protein structure and function (PolyPhen-2) suggests that this variant is likely to be disruptive. In summary, the currently available evidence indicates that the variant is pathogenic, but additional data are needed to prove that conclusively. Therefore, this variant has been classified as Likely Pathogenic.

Literature cited by the submitters: PubMed 33298948 (cited by Labcorp Genetics (formerly Invitae), Labcorp).

NM_001039591.3(USP9X):c.3986G>A (p.Arg1329His)

Gene: USP9X (ubiquitin specific peptidase 9 X-linked; plus strand). Cytogenetic location: Xp11.4.
Variant type: single nucleotide variant.
Coding change: c.3986G>A on transcript NM_001039591.3 (MANE Select); coding-DNA position 3986, G replaced by A.
Protein change: p.Arg1329His; replaces arginine 1329 with histidine.
Molecular consequence: missense variant.
Genome position (GRCh38, 1-based): chrX:41,196,259, G>A. VCF-style: chrX-41196259-G-A. GRCh37 (hg19) VCF-style: chrX-41055512-G-A.
Other names: c.3986G>A, p.Arg1329His (NM_001039590.3); c.4001G>A, p.Arg1334His (NM_001410748.1, NM_001410749.1); c.3986G>A (NM_001039590.2); short protein forms R1334H, R1329H.
Identifiers: ClinVar variation 2780466 (VCV002780466.5), dbSNP rs1391287100, ClinGen allele CA412771960.
Genomic context (GRCh38, chrX:41,196,259, plus strand): 5'-CATTTTTTAAAATGGAAATAATGTATTAAATGTGAAACATTTTTTATTTCAGAACTGTTC[G>A]TCAGGTGGCACAGGAGCAGTTCTTTTTAATGTGCACCAGATGTTGCATGGGACACCGGCC-3'
Protein context (NP_001034680.2, residues 1319-1339): LLLHCHSKTV[Arg1329His]QVAQEQFFLM